The following is an entry in ClinVar:

NM_006231.4(POLE):c.1438G>A (p.Ala480Thr)

Gene: POLE (DNA polymerase epsilon, catalytic subunit; minus strand). Cytogenetic location: 12q24.33.
Variant type: single nucleotide variant.
Coding change: c.1438G>A on transcript NM_006231.4 (MANE Select); coding-DNA position 1438, G replaced by A.
Protein change: p.Ala480Thr; replaces alanine 480 with threonine.
Molecular consequence: missense variant.
Genome position (GRCh38, 1-based): chr12:132,673,199, C>T on the plus strand (G>A on the coding strand, the complement: POLE is on the minus strand). VCF-style: chr12-132673199-C-T. GRCh37 (hg19) VCF-style: chr12-133249785-C-T.
Other names: short protein forms A480T.
Identifiers: ClinVar variation 1397014 (VCV001397014.10), dbSNP rs1418646286, ClinGen allele CA387358268.

ClinVar aggregate classification (germline): Uncertain significance. Review status: criteria provided, multiple submitters, no conflicts (2 of 4 stars). 2 submissions from 2 submitters: Uncertain significance (2). Last evaluated 2026-01-05.

Conditions:
Hereditary cancer-predisposing syndrome. Also called: Hereditary Cancer Syndrome; Hereditary neoplastic syndrome; Tumor predisposition; Neoplastic Syndromes, Hereditary. Identifiers: Orphanet 140162, MedGen C0027672, MeSH D009386, MONDO:0015356.

Allele frequency attached by ClinVar (database versions not stated): gnomAD exomes below 0.00001; TOPMed below 0.00001.
gnomAD v4.1: 4 of 1,613,390 alleles (0.00025%); highest among the groups gnomAD compares: African/African-American, 0.004%; no homozygotes.

Submissions (2):

Labcorp Genetics (formerly Invitae), Labcorp
Classification: Uncertain significance. Last evaluated: 2026-01-05. Review status: criteria provided, single submitter. Criteria: Invitae Variant Classification Sherloc (09022015). Collection method: clinical testing. Allele origin: germline.
Comment: This sequence change replaces alanine, which is neutral and non-polar, with threonine, which is neutral and polar, at codon 480 of the POLE protein (p.Ala480Thr). This variant is present in population databases (no rsID available, gnomAD 0.007%). This variant has not been reported in the literature in individuals affected with POLE-related conditions. ClinVar contains an entry for this variant (Variation ID: 1397014). Invitae Evidence Modeling of protein sequence and biophysical properties (such as structural, functional, and spatial information, amino acid conservation, physicochemical variation, residue mobility, and thermodynamic stability) indicates that this missense variant is expected to disrupt POLE protein function with a positive predictive value of 80%. In summary, the available evidence is currently insufficient to determine the role of this variant in disease. Therefore, it has been classified as a Variant of Uncertain Significance.

Ambry Genetics
Classification: Uncertain significance for Hereditary cancer-predisposing syndrome. Last evaluated: 2024-05-03. Review status: criteria provided, single submitter. Criteria: Ambry Variant Classification Scheme 2023. Collection method: clinical testing. Allele origin: germline.
Comment: The p.A480T variant (also known as c.1438G>A), located in coding exon 14 of the POLE gene, results from a G to A substitution at nucleotide position 1438. The alanine at codon 480 is replaced by threonine, an amino acid with similar properties. This amino acid position is conserved. In addition, the in silico prediction for this alteration is inconclusive. Based on the available evidence, the clinical significance of this variant remains unclear.